The following is an entry in ClinVar:

NM_001039141.3(TRIOBP):c.3616_3617del (p.Leu1206fs)

Gene: TRIOBP (TRIO and F-actin binding protein; plus strand). Cytogenetic location: 22q13.1.
Variant type: Microsatellite.
Coding change: c.3616_3617del on transcript NM_001039141.3 (MANE Select); coding-DNA positions 3616 to 3617, 2 bases deleted (CT; older notation c.3616_3617delCT).
Protein change: p.Leu1206fs; shifts the reading frame from leucine 1206.
Molecular consequence: frameshift variant.
Genome position (GRCh38, 1-based): chr22:37,726,172-37,726,173, CT deleted; deleting any 2 consecutive bases within chr22:37,726,168-37,726,173 gives the same sequence; the c. name uses the placement nearest the transcript's 3' end. VCF-style (leftmost placement, unchanged base first): chr22-37726167-ACT-A. GRCh37 (hg19) VCF-style: chr22-38122174-ACT-A.
Other names: short protein forms L1206fs.
Identifiers: ClinVar variation 2982427 (VCV002982427.5), dbSNP rs772930429, ClinGen allele CA10224164.

ClinVar aggregate classification (germline): Pathogenic/Likely pathogenic. Review status: criteria provided, multiple submitters, no conflicts (2 of 4 stars). 2 submissions from 2 submitters: Pathogenic (1); Likely pathogenic (1). Last evaluated 2023-08-28.

Conditions:
Autosomal recessive nonsyndromic hearing loss 28. Identifiers: Orphanet 90636, MedGen C1853276, MONDO:0012355, OMIM 609823.

Submissions (2):

Labcorp Genetics (formerly Invitae), Labcorp
Classification: Pathogenic. Last evaluated: 2023-08-28. Review status: criteria provided, single submitter. Criteria: Invitae Variant Classification Sherloc (09022015). Collection method: clinical testing. Allele origin: germline.
Comment: This sequence change creates a premature translational stop signal (p.Leu1206Alafs*30) in the TRIOBP gene. It is expected to result in an absent or disrupted protein product. Loss-of-function variants in TRIOBP are known to be pathogenic (PMID: 16385457, 16385458, 20510926). This variant is present in population databases (rs772930429, gnomAD 0.003%). This variant has not been reported in the literature in individuals affected with TRIOBP-related conditions. For these reasons, this variant has been classified as Pathogenic.

Juno Genomics, Hangzhou Juno Genomics, Inc
Classification: Likely pathogenic for Autosomal recessive nonsyndromic hearing loss 28. Review status: criteria provided, single submitter. Criteria: ACMG Guidelines, 2015. Collection method: clinical testing. Allele origin: germline.
Comment: Null variant in a gene where loss of function (LOF) is a known mechanism of disease.;Absent from controls (or at extremely low frequency if recessive) in Genome Aggregation Database.

Literature cited by the submitters: PubMed 16385457 (cited by Labcorp Genetics (formerly Invitae), Labcorp); PubMed 16385458 (cited by Labcorp Genetics (formerly Invitae), Labcorp); PubMed 20510926 (cited by Labcorp Genetics (formerly Invitae), Labcorp).